The following is an entry in ClinVar:

ClinVar aggregate classification (germline): Conflicting classifications of pathogenicity. Review status: criteria provided, conflicting classifications (1 of 4 stars). 9 submissions from 9 submitters: Uncertain significance (5); Likely benign (2). 2 of the submissions do not count toward it. Last evaluated 2025-06-01.

Conditions:
Hereditary cancer-predisposing syndrome. Also called: Tumor predisposition; Hereditary Cancer Syndrome; Hereditary neoplastic syndrome; Neoplastic Syndromes, Hereditary. Identifiers: Orphanet 140162, MedGen C0027672, MeSH D009386, MONDO:0015356.
Hereditary breast ovarian cancer syndrome. Also called: Breast and ovarian cancer; Hereditary breast and ovarian cancer syndrome; Hereditary breast and ovarian cancer; BRCA1- and BRCA2-Associated Hereditary Breast and Ovarian Cancer; Hereditary breast and ovarian cancer syndrome (HBOC); Hereditary breast and/or ovarian cancer syndrome. Identifiers: Orphanet 145, MedGen C0677776, MeSH D061325, MONDO:0003582. Disease mechanism: loss of function.
Breast-ovarian cancer, familial, susceptibility to, 2 (BROVCA2). Also called: BRCA2 Hereditary Breast and Ovarian Cancer. Identifiers: Orphanet 145, MedGen C2675520, MONDO:0012933, OMIM 612555. Disease mechanism: loss of function.

Submissions (9):

Ambry Genetics
Classification: Uncertain significance for Hereditary cancer-predisposing syndrome. Last evaluated: 2025-06-01. Review status: criteria provided, single submitter. Criteria: Ambry Variant Classification Scheme 2023. Collection method: clinical testing. Allele origin: germline.
Comment: The p.F1921L variant (also known as c.5763T>G), located in coding exon 10 of the BRCA2 gene, results from a T to G substitution at nucleotide position 5763. The phenylalanine at codon 1921 is replaced by leucine, an amino acid with highly similar properties. This amino acid position is not well conserved in available vertebrate species. In addition, the in silico prediction for this alteration is inconclusive. Since supporting evidence is limited at this time, the clinical significance of this alteration remains unclear.

Labcorp Genetics (formerly Invitae), Labcorp
Classification: Likely benign for Hereditary breast ovarian cancer syndrome. Last evaluated: 2024-01-27. Review status: criteria provided, single submitter. Criteria: Invitae Variant Classification Sherloc (09022015). Collection method: clinical testing. Allele origin: germline.

All of Us Research Program, National Institutes of Health
Classification: Uncertain significance for Breast-ovarian cancer, familial, susceptibility to, 2. Last evaluated: 2024-01-11. Review status: criteria provided, single submitter. Criteria: ACMG Guidelines, 2015. Collection method: clinical testing. Allele origin: germline. Inheritance: Autosomal dominant inheritance. Observed: 2 variant alleles, 2 heterozygotes.
Comment: This missense variant replaces phenylalanine with leucine at codon 1921 of the BRCA2 protein. Computational prediction suggests that this variant may not impact protein structure and function (internally defined REVEL score threshold <= 0.5, PMID: 27666373). To our knowledge, functional studies have not been reported for this variant. This variant has not been reported in individuals affected with BRCA2-related disorders in the literature. This variant has not been identified in the general population by the Genome Aggregation Database (gnomAD). The available evidence is insufficient to determine the role of this variant in disease conclusively. Therefore, this variant is classified as a Variant of Uncertain Significance.

This study involves interpretation of variants in research participants for the purpose of population health screening. Participant phenotype was not available at the time of variant classification. Additional details can be found in publication PMID: 35346344, PMCID: PMC8962531

University of Washington Department of Laboratory Medicine, University of Washington
Classification: Likely benign for Hereditary cancer-predisposing syndrome. Last evaluated: 2023-03-23. Review status: criteria provided, single submitter. Criteria: Dines et al. (Genet Med. 2020). Collection method: curation. Allele origin: germline.
Comment: Missense variant in a coldspot region where missense variants are very unlikely to be pathogenic (PMID:31911673).

BRCA2 exon 11 coldspot. Reclassification based on statistical prior probability.

Color Diagnostics, LLC DBA Color Health
Classification: Uncertain significance for Hereditary cancer-predisposing syndrome. Last evaluated: 2023-03-15. Review status: criteria provided, single submitter. Criteria: ACMG Guidelines, 2015. Collection method: clinical testing. Allele origin: germline.
Comment: This missense variant replaces phenylalanine with leucine at codon 1921 of the BRCA2 protein. Computational prediction suggests that this variant may not impact protein structure and function (internally defined REVEL score threshold <= 0.5, PMID: 27666373). To our knowledge, functional studies have not been reported for this variant. This variant has not been reported in individuals affected with BRCA2-related disorders in the literature. This variant has not been identified in the general population by the Genome Aggregation Database (gnomAD). The available evidence is insufficient to determine the role of this variant in disease conclusively. Therefore, this variant is classified as a Variant of Uncertain Significance.

Quest Diagnostics Nichols Institute San Juan Capistrano
Classification: Uncertain significance. Last evaluated: 2019-03-05. Review status: criteria provided, single submitter. Criteria: Quest Diagnostics criteria. Collection method: clinical testing. Allele origin: germline.

GeneDx
Classification: Uncertain significance. Last evaluated: 2017-01-26. Review status: criteria provided, single submitter. Criteria: GeneDx Variant Classification (06012015). Collection method: clinical testing. Allele origin: germline. Affected: yes.
Comment: This variant is denoted BRCA2 c.5763T>G at the cDNA level, p.Phe1921Leu (F1921L) at the protein level, and results in the change of a Phenylalanine to a Leucine (TTT>TTG). Using alternate nomenclature, this variant would be defined as BRCA2 5991T>G. This variant has not, to our knowledge, been published in the literature as pathogenic or benign. BRCA2 Phe1921Leu was not observed in approximately 6,500 individuals of European and African American ancestry in the NHLBI Exome Sequencing Project, suggesting it is not a common benign variant in these populations. Since Phenylalanine and Leucine share similar properties, this is considered a conservative amino acid substitution. BRCA2 Phe1921Leu occurs at a position that is not conserved and is located in the RAD51 binding domain (Roy 2012). In silico analyses are inconsistent regarding the effect this variant may have on protein structure and function. Based on currently available evidence, it is unclear whether BRCA2 Phe1921Leu is a pathogenic or benign variant. We consider it to be a variant of uncertain significance.

Clinical Genetics DNA and cytogenetics Diagnostics Lab, Erasmus MC, Erasmus Medical Center
Classification: Likely benign. Review status: no assertion criteria provided. Collection method: clinical testing. Allele origin: germline. Affected: yes. Study: VKGL Data-share Consensus. Not counted in ClinVar's aggregate classification.

Joint Genome Diagnostic Labs from Nijmegen and Maastricht, Radboudumc and MUMC+
Classification: Likely benign. Review status: no assertion criteria provided. Collection method: clinical testing. Allele origin: germline. Affected: yes. Study: VKGL Data-share Consensus. Not counted in ClinVar's aggregate classification.

NM_000059.4(BRCA2):c.5763T>G (p.Phe1921Leu)

Gene: BRCA2 (BRCA2 DNA repair associated; plus strand). Cytogenetic location: 13q13.1.
Variant type: single nucleotide variant.
Coding change: c.5763T>G on transcript NM_000059.4 (MANE Select); coding-DNA position 5763, T replaced by G.
Protein change: p.Phe1921Leu; replaces phenylalanine 1921 with leucine.
Molecular consequence: missense variant.
Genome position (GRCh38, 1-based): chr13:32,340,118, T>G. VCF-style: chr13-32340118-T-G. GRCh37 (hg19) VCF-style: chr13-32914255-T-G.
Other names: p.F1921L:TTT>TTG; short protein forms F1921L.
Identifiers: ClinVar variation 182222 (VCV000182222.31), dbSNP rs730881540, ClinGen allele CA023179.